The following is an entry in ClinVar:

NM_016239.4(MYO15A):c.1480G>C (p.Glu494Gln)

Gene: MYO15A (myosin XVA; plus strand). Cytogenetic location: 17p11.2.
Variant type: single nucleotide variant.
Coding change: c.1480G>C on transcript NM_016239.4 (MANE Select); coding-DNA position 1480, G replaced by C.
Protein change: p.Glu494Gln; replaces glutamic acid 494 with glutamine.
Molecular consequence: missense variant.
Genome position (GRCh38, 1-based): chr17:18,120,280, G>C. VCF-style: chr17-18120280-G-C. GRCh37 (hg19) VCF-style: chr17-18023594-G-C.
Other names: short protein forms E494Q.
Identifiers: ClinVar variation 4680958 (VCV004680958.1).

ClinVar aggregate classification (germline): Uncertain significance (1 of 4 stars; one submission).

gnomAD v4.1: 50 of 1,611,818 alleles (0.0031%); highest among the groups gnomAD compares: Non-Finnish European, 0.0041%; no homozygotes.

Submission:

GeneDx
Classification: Uncertain significance. Last evaluated: 2025-07-03. Review status: criteria provided, single submitter. Criteria: GeneDx Variant Classification Process June 2021. Collection method: clinical testing. Allele origin: germline. Affected: yes.
Comment: Not observed at significant frequency in large population cohorts (gnomAD); In silico analysis suggests that this missense variant does not alter protein structure/function; Has not been previously published as pathogenic or benign to our knowledge